The following is an entry in ClinVar:

NM_000368.5(TSC1):c.1145G>T (p.Gly382Val)

Gene: TSC1 (TSC complex subunit 1; minus strand). Cytogenetic location: 9q34.13.
Variant type: single nucleotide variant.
Coding change: c.1145G>T on transcript NM_000368.5 (MANE Select); coding-DNA position 1145, G replaced by T.
Protein change: p.Gly382Val; replaces glycine 382 with valine.
Molecular consequence: missense variant. On other transcripts: non-coding transcript variant (5).
Genome position (GRCh38, 1-based): chr9:132,910,689, C>A on the plus strand (G>T on the coding strand, the complement: TSC1 is on the minus strand). VCF-style: chr9-132910689-C-A. GRCh37 (hg19) VCF-style: chr9-135786076-C-A.
Other names: c.1145G>T, p.Gly382Val (NM_001406601.1, NM_001406602.1, NM_001406605.1 and 7 more transcripts); c.1142G>T, p.Gly381Val (NM_001406603.1, NM_001406604.1, NM_001406608.1 and 6 more transcripts); c.992G>T, p.Gly331Val (NM_001406610.1, NM_001162427.2); c.989G>T, p.Gly330Val (NM_001406611.1, NM_001406612.1, NM_001406613.1); c.782G>T, p.Gly261Val (NM_001406614.1, NM_001406615.1, NM_001406616.1 and 5 more transcripts); c.779G>T, p.Gly260Val (NM_001406620.1, NM_001406621.1, NM_001406622.1 and 2 more transcripts); c.194G>T, p.Gly65Val (NM_001406626.1); c.191G>T, p.Gly64Val (NM_001406627.1, NM_001406628.1); and 1 more; short protein forms G31V, G330V, G381V, G260V, G261V, G65V, G331V, G382V.
Identifiers: ClinVar variation 5031263 (VCV005031263.1).

ClinVar aggregate classification (germline): Uncertain significance (1 of 4 stars; one submission).

Conditions:
Hereditary cancer-predisposing syndrome. Also called: Neoplastic Syndromes, Hereditary; Tumor predisposition; Hereditary neoplastic syndrome; Hereditary Cancer Syndrome. Identifiers: Orphanet 140162, MedGen C0027672, MeSH D009386, MONDO:0015356.

Submission:

Ambry Genetics
Classification: Uncertain significance for Hereditary cancer-predisposing syndrome. Last evaluated: 2026-08-24. Review status: criteria provided, single submitter. Criteria: Ambry Variant Classification Scheme 2023. Collection method: clinical testing. Allele origin: germline.
Comment: The p.G382V variant (also known as c.1145G>T), located in coding exon 10 of the TSC1 gene, results from a G to T substitution at nucleotide position 1145. The glycine at codon 382 is replaced by valine, an amino acid with dissimilar properties. This amino acid position is conserved. In addition, the in silico prediction for this alteration is inconclusive. Based on the available evidence, the clinical significance of this variant remains unclear.